The following is an entry in ClinVar:

NM_002485.5(NBN):c.765G>T (p.Glu255Asp)

Gene: NBN (nibrin; minus strand). Cytogenetic location: 8q21.3.
Variant type: single nucleotide variant.
Coding change: c.765G>T on transcript NM_002485.5 (MANE Select); coding-DNA position 765, G replaced by T.
Protein change: p.Glu255Asp; replaces glutamic acid 255 with aspartic acid.
Molecular consequence: missense variant.
Genome position (GRCh38, 1-based): chr8:89,970,495, C>A on the plus strand (G>T on the coding strand, the complement: NBN is on the minus strand). VCF-style: chr8-89970495-C-A. GRCh37 (hg19) VCF-style: chr8-90982723-C-A.
Other names: c.519G>T, p.Glu173Asp (NM_001024688.3, NM_001440379.1, NM_001440380.1); short protein forms E255D, E173D.
Identifiers: ClinVar variation 4660570 (VCV004660570.1).

ClinVar aggregate classification (germline): Uncertain significance (1 of 4 stars; one submission).

Conditions:
Hereditary cancer-predisposing syndrome. Also called: Neoplastic Syndromes, Hereditary; Tumor predisposition; Hereditary Cancer Syndrome; Hereditary neoplastic syndrome. Identifiers: Orphanet 140162, MedGen C0027672, MeSH D009386, MONDO:0015356.

Submission:

Ambry Genetics
Classification: Uncertain significance for Hereditary cancer-predisposing syndrome. Last evaluated: 2025-10-12. Review status: criteria provided, single submitter. Criteria: Ambry Variant Classification Scheme 2023. Collection method: clinical testing. Allele origin: germline.
Comment: The p.E255D variant (also known as c.765G>T), located in coding exon 7 of the NBN gene, results from a G to T substitution at nucleotide position 765. The glutamic acid at codon 255 is replaced by aspartic acid, an amino acid with highly similar properties. This amino acid position is conserved. In addition, this alteration is predicted to be tolerated by in silico analysis. Based on the available evidence, the clinical significance of this variant remains unclear.